The following is an entry in ClinVar:

ClinVar aggregate classification (germline): Likely pathogenic (1 of 4 stars; one submission).

Conditions:
Rubinstein-Taybi syndrome due to EP300 haploinsufficiency. Also called: RUBINSTEIN-TAYBI SYNDROME 2; EP300-Related Rubinstein-Taybi Syndrome. Identifiers: Orphanet 353284, Orphanet 783, MedGen C3150941, MONDO:0013364, OMIM 613684.

Submission:

3billion
Classification: Likely pathogenic for Rubinstein-Taybi syndrome due to EP300 haploinsufficiency. Last evaluated: 2026-01-29. Review status: criteria provided, single submitter. Criteria: ACMG Guidelines, 2015. Collection method: clinical testing. Allele origin: germline. Affected: yes.
Comment: The variant is not observed in the gnomAD v4.1.0 dataset. Predicted Consequence/Location: Frameshift: predicted to result in a loss or disruption of normal protein function through protein truncation. The predicted truncated protein may be shortened by less than 10%. The variant has been previously reported as assumed (i.e. paternity and maternity not confirmed) de novo in at least one similarly affected unrelated individual (3billion dataset). Therefore, this variant is classified as Likely pathogenic according to the recommendation of ACMG/AMP guideline.

NM_001429.4(EP300):c.7104_7110del (p.Asn2370fs)

Gene: EP300 (EP300 lysine acetyltransferase; plus strand). Cytogenetic location: 22q13.2.
Variant type: Deletion.
Coding change: c.7104_7110del on transcript NM_001429.4 (MANE Select); coding-DNA positions 7104 to 7110, 7 bases deleted (CCAGAAT; older notation c.7104_7110delCCAGAAT).
Protein change: p.Asn2370fs; shifts the reading frame from asparagine 2370.
Molecular consequence: frameshift variant.
Genome position (GRCh38, 1-based): chr22:41,178,815-41,178,821, CCAGAAT deleted. VCF-style (leftmost placement, unchanged base first): chr22-41178814-ACCAGAAT-A. GRCh37 (hg19) VCF-style: chr22-41574818-ACCAGAAT-A.
Other names: c.7026_7032del, p.Asn2344fs (NM_001362843.2); short protein forms N2344fs, N2370fs.
Identifiers: ClinVar variation 4854473 (VCV004854473.1).